The following is an entry in ClinVar:

NM_001278512.2(AP3B2):c.641delinsATG (p.Ile214fs)

Genes: AP3B2 (adaptor related protein complex 3 subunit beta 2; minus strand), CPEB1-AS1 (CPEB1 antisense RNA 1; plus strand). Cytogenetic location: 15q25.2.
Variant type: Indel.
Coding change: c.641delinsATG on transcript NM_001278512.2 (MANE Select); coding-DNA position 641, T replaced by ATG.
Protein change: p.Ile214fs; shifts the reading frame from isoleucine 214.
Molecular consequence: frameshift variant.
Genome position (GRCh38, 1-based): chr15:82,680,967, A replaced by CAT on the plus strand (T replaced by ATG on the coding strand, the reverse complement: AP3B2 is on the minus strand). VCF-style: chr15-82680967-A-CAT. GRCh37 (hg19) VCF-style: chr15-83349719-A-CAT.
Other names: c.545delinsATG, p.Ile182fs (NM_001278511.2); c.641delinsATG, p.Ile214fs (NM_004644.5); short protein forms I182fs, I214fs.
Identifiers: ClinVar variation 2577043 (VCV002577043.1), dbSNP rs2548711951, ClinGen allele CA2580613301.
Genomic context (GRCh38, chr15:82,680,967, plus strand): 5'-CACTCCTCCACGTCGATCAGCAGGTTACAGAGTTTCCGGTAGTTTTTGTGAATCAGGTCG[A>CAT]TGCGCTCCGGGCAGACCTCCTCAAAGGCCATCACCACACTGCCCGCCACCAGCTGGGGAA-3'

ClinVar aggregate classification (germline): Pathogenic (1 of 4 stars; one submission).

Conditions:
Developmental and epileptic encephalopathy, 48 (DEE48). Also called: Epileptic encephalopathy, early infantile, 48. Identifiers: MedGen C4310637, MONDO:0015000, OMIM 617276.

Submission:

Women's Health and Genetics/Laboratory Corporation of America, LabCorp
Classification: Pathogenic for Developmental and epileptic encephalopathy, 48. Last evaluated: 2023-07-14. Review status: criteria provided, single submitter. Criteria: LabCorp Variant Classification Summary - May 2015. Collection method: clinical testing. Allele origin: germline.
Comment: Variant summary: AP3B2 c.641delinsATG (p.Ile214AsnfsX4) results in a premature termination codon, predicted to cause a truncation of the encoded protein or absence of the protein due to nonsense mediated decay, which are commonly known mechanisms for disease. The variant was absent in 249180 control chromosomes. To our knowledge, no occurrence of c.641delinsATG in individuals affected with Developmental And Epileptic Encephalopathy, 48 and no experimental evidence demonstrating its impact on protein function have been reported. No submitters have cited clinical-significance assessments for this variant to ClinVar after 2014. Based on the evidence outlined above, the variant was classified as pathogenic.